The following is an entry in ClinVar:

ClinVar aggregate classification (germline): Pathogenic. Review status: criteria provided, multiple submitters, no conflicts (2 of 4 stars). 4 submissions from 4 submitters: Pathogenic (3). 1 of the submissions does not count toward it. Last evaluated 2024-04-02.

Conditions:
Xeroderma pigmentosum group A (XPA). Also called: XPA-Related Xeroderma Pigmentosum; Xeroderma pigmentosum, complementation group A; XP, group A. Identifiers: Orphanet 910, MedGen C0268135, MONDO:0010210, OMIM 278700.

Submissions (4):

Fulgent Genetics
Classification: Pathogenic for Xeroderma pigmentosum group A. Last evaluated: 2024-04-02. Review status: criteria provided, single submitter. Criteria: ACMG Guidelines, 2015. Collection method: clinical testing. Allele origin: germline.

Baylor Genetics
Classification: Pathogenic for Xeroderma pigmentosum group A. Last evaluated: 2024-03-09. Review status: criteria provided, single submitter. Criteria: ACMG Guidelines, 2015. Collection method: clinical testing. Allele origin: unknown.

Labcorp Genetics (formerly Invitae), Labcorp
Classification: Pathogenic. Last evaluated: 2023-08-29. Review status: criteria provided, single submitter. Criteria: Invitae Variant Classification Sherloc (09022015). Collection method: clinical testing. Allele origin: germline.
Comment: This sequence change creates a premature translational stop signal (p.Arg158Lysfs*6) in the XPA gene. It is expected to result in an absent or disrupted protein product. Loss-of-function variants in XPA are known to be pathogenic (PMID: 27607234). This variant is not present in population databases (gnomAD no frequency). This premature translational stop signal has been observed in individual(s) with xeroderma pigmentosum (PMID: 35178751). ClinVar contains an entry for this variant (Variation ID: 555021). Algorithms developed to predict the effect of sequence changes on RNA splicing suggest that this variant may disrupt the consensus splice site. For these reasons, this variant has been classified as Pathogenic.

Counsyl
Classification: Likely pathogenic for Xeroderma pigmentosum group A. Last evaluated: 2017-11-15. Review status: no assertion criteria provided. Collection method: clinical testing. Allele origin: unknown. Not counted in ClinVar's aggregate classification.

Literature cited by the submitters: PubMed 27607234 (cited by Labcorp Genetics (formerly Invitae), Labcorp); PubMed 35178751 (cited by Labcorp Genetics (formerly Invitae), Labcorp).

NM_000380.4(XPA):c.472dup (p.Arg158fs)

Gene: XPA (XPA, DNA damage recognition and repair factor; minus strand). Cytogenetic location: 9q22.33.
Variant type: Duplication.
Coding change: c.472dup on transcript NM_000380.4 (MANE Select); coding-DNA position 472, one base duplicated (A; older notation c.472dupA).
Protein change: p.Arg158fs; shifts the reading frame from arginine 158.
Molecular consequence: frameshift variant. On other transcripts: non-coding transcript variant (4).
Genome position (GRCh38, 1-based): chr9:97,687,179, T duplicated on the plus strand (A on the coding strand, the reverse complement: XPA is on the minus strand); the first of 6 consecutive T bases (chr9:97,687,179-97,687,184); duplicating any one gives the same sequence. VCF-style (leftmost placement, unchanged base first): chr9-97687178-C-CT. GRCh37 (hg19) VCF-style: chr9-100449460-C-CT.
Other names: c.346dup, p.Arg116fs (NM_001354975.2); c.472dupA (NM_000380.3); short protein forms R158fs, R116fs.
Identifiers: ClinVar variation 555021 (VCV000555021.7), dbSNP rs1554701520, ClinGen allele CA658821489.